The following is an entry in ClinVar:

NM_018896.5(CACNA1G):c.5868del (p.Gly1958fs)

Gene: CACNA1G (calcium voltage-gated channel subunit alpha1 G; plus strand). Cytogenetic location: 17q21.33.
Variant type: Deletion.
Coding change: c.5868del on transcript NM_018896.5 (MANE Select); coding-DNA position 5868, one base deleted (A; older notation c.5868delA).
Protein change: p.Gly1958fs; shifts the reading frame from glycine 1958.
Molecular consequence: frameshift variant. On other transcripts: intron variant (20).
Genome position (GRCh38, 1-based): chr17:50,619,769, A deleted. VCF-style (leftmost placement, unchanged base first): chr17-50619768-CA-C. GRCh37 (hg19) VCF-style: chr17-48697129-CA-C.
Other names: c.5814del, p.Gly1940fs (NM_001256324.2); c.5733del, p.Gly1913fs (NM_001256326.2); c.5835del, p.Gly1947fs (NM_198377.3, NM_198380.3); c.5766del, p.Gly1924fs (NM_198379.3, NM_198396.3); c.5868del, p.Gly1958fs (NM_198385.3); c.5802+761del (NM_001256325.2); c.5748+761del (NM_198378.3, NM_001256334.2); c.5781+761del (NM_198384.3, NM_001256333.2); and 12 more; short protein forms G1913fs, G1924fs, G1940fs, G1947fs, G1958fs.
Identifiers: ClinVar variation 3900804 (VCV003900804.1).
Genomic context (GRCh38, chr17:50,619,768, plus strand): 5'-CCCTGCTGATCCAGGGCTCCCTGGAGTGGGAGCTGAAGCTGATGGACGAGCTGGCAGGCC[CA>C]GGGGGCCAGCCCTCTGCCTTCCCTTCTGCCCCCAGCCTGGGAGGCTCCGACCCACAGGTT-3'

ClinVar aggregate classification (germline): Uncertain significance (1 of 4 stars; one submission).

Submission:

GeneDx
Classification: Uncertain significance. Last evaluated: 2024-11-18. Review status: criteria provided, single submitter. Criteria: GeneDx Variant Classification Process June 2021. Collection method: clinical testing. Allele origin: germline. Affected: yes.
Comment: Frameshift variant predicted to result in protein truncation or nonsense mediated decay in a gene or region of a gene for which loss of function is not a well-established mechanism of disease; Not observed at significant frequency in large population cohorts (gnomAD); Has not been previously published as pathogenic or benign to our knowledge